The following is an entry in ClinVar:

ClinVar aggregate classification (germline): Uncertain significance. Review status: criteria provided, multiple submitters, no conflicts (2 of 4 stars). 2 submissions from 2 submitters: Uncertain significance (2). Last evaluated 2024-12-25.

Conditions:
Inborn genetic diseases. Identifiers: MedGen C0950123, MeSH D030342.

Allele frequency attached by ClinVar (database versions not stated): gnomAD exomes 0.00001; ExAC 0.00001; TOPMed 0.00002; gnomAD 0.00003.

Submissions (2):

Ambry Genetics
Classification: Uncertain significance for Inborn genetic diseases. Last evaluated: 2024-12-25. Review status: criteria provided, single submitter. Criteria: Ambry Variant Classification Scheme 2023. Collection method: clinical testing. Allele origin: germline.

Labcorp Genetics (formerly Invitae), Labcorp
Classification: Uncertain significance. Last evaluated: 2023-12-18. Review status: criteria provided, single submitter. Criteria: Invitae Variant Classification Sherloc (09022015). Collection method: clinical testing. Allele origin: germline.
Comment: This sequence change replaces methionine, which is neutral and non-polar, with valine, which is neutral and non-polar, at codon 514 of the ERCC3 protein (p.Met514Val). This variant is present in population databases (rs755970243, gnomAD 0.01%). This variant has not been reported in the literature in individuals affected with ERCC3-related conditions. ClinVar contains an entry for this variant (Variation ID: 1025231). Advanced modeling of protein sequence and biophysical properties (such as structural, functional, and spatial information, amino acid conservation, physicochemical variation, residue mobility, and thermodynamic stability) performed at Invitae indicates that this missense variant is not expected to disrupt ERCC3 protein function with a negative predictive value of 80%. In summary, the available evidence is currently insufficient to determine the role of this variant in disease. Therefore, it has been classified as a Variant of Uncertain Significance.

NM_000122.2(ERCC3):c.1540A>G (p.Met514Val)

Gene: ERCC3 (ERCC excision repair 3, TFIIH core complex helicase subunit; minus strand). Cytogenetic location: 2q14.3.
Variant type: single nucleotide variant.
Coding change: c.1540A>G on transcript NM_000122.2 (MANE Select); coding-DNA position 1540, A replaced by G.
Protein change: p.Met514Val; replaces methionine 514 with valine.
Molecular consequence: missense variant.
Genome position (GRCh38, 1-based): chr2:127,279,363, T>C on the plus strand (A>G on the coding strand, the complement: ERCC3 is on the minus strand). VCF-style: chr2-127279363-T-C. GRCh37 (hg19) VCF-style: chr2-128036939-T-C.
Other names: c.1348A>G, p.Met450Val (NM_001303416.2, NM_001303418.2); c.1540A>G (NM_000122.1); short protein forms M450V, M514V.
Identifiers: ClinVar variation 1025231 (VCV001025231.5), dbSNP rs755970243, ClinGen allele CA1858231.
Genomic context (GRCh38, chr2:127,279,363, plus strand): 5'-ACAGCAAGATTCGTTTCTTGGTTTTGATTGCCACATATTCCCGGTAAAATTCAGGAGACA[T>C]AGGGCACCAGACCTGTAATACAGTAAGAACCAGGGGTCATTTTACAAGTTTAAACACCAC-3'
Protein context (NP_000113.1, residues 504-524): KVQCAEVWCP[Met514Val]SPEFYREYVA